The following is an entry in ClinVar:

NM_174936.4(PCSK9):c.1503+20GT[25]

Gene: PCSK9 (proprotein convertase subtilisin/kexin type 9; plus strand). Cytogenetic location: 1p32.3.
Variant type: Microsatellite.
Coding change: c.1503+20GT[25] on transcript NM_174936.4 (MANE Select); 25 copies in a row of the 2-base unit GT starting at c.1503+20; the reference has 26 copies in a row; one copy, 2 bases deleted.
Molecular consequence: intron variant.
Genome position (GRCh38, 1-based): chr1:55,058,717-55,058,718, GT deleted; deleting any 2 consecutive bases within chr1:55,058,667-55,058,718 gives the same sequence; the position shown is the placement nearest the transcript's 3' end. VCF-style (leftmost placement, unchanged base first): chr1-55058666-CGT-C. GRCh37 (hg19) VCF-style: chr1-55524339-CGT-C.
Identifiers: ClinVar variation 928569 (VCV000928569.10), dbSNP rs35115360, ClinGen allele CA523275558.
Genomic context (GRCh38, chr1:55,058,666, plus strand): 5'-AGTTTCTCCAGGAGTGGGAAGCGGCGGGGCGAGCGCATGGAGGTGACTGTACCCCTCCTT[CGT>C]GTGTGTGTGTGTGTGTGTGTGTGTGTGTGTGTGTGTGTGTGTGTGTGTGTCAGTGCTGGG-3'

ClinVar aggregate classification (germline): Benign/Likely benign. Review status: criteria provided, multiple submitters, no conflicts (2 of 4 stars). 3 submissions from 3 submitters: Benign (2); Likely benign (1). Last evaluated 2026-02-04.

Conditions:
Hypercholesterolemia, autosomal dominant, 3 (FHCL3). Also called: Familial Hypercholesterolemia, Autosomal Dominant, 3; PCSK9-Related Familial Hypercholesterolemia, Autosomal Dominant; Familial hypercholesterolemia 3. Identifiers: MedGen C1863551, MONDO:0011369, OMIM 603776.

Submissions (3):

Labcorp Genetics (formerly Invitae), Labcorp
Classification: Benign for Hypercholesterolemia, autosomal dominant, 3. Last evaluated: 2026-02-04. Review status: criteria provided, single submitter. Criteria: Invitae Variant Classification Sherloc (09022015). Collection method: clinical testing. Allele origin: germline.

Blueprint Genetics
Classification: Likely benign. Last evaluated: 2024-11-26. Review status: criteria provided, single submitter. Criteria: ACMG Guidelines, 2015. Collection method: clinical testing. Allele origin: germline.

Women's Health and Genetics/Laboratory Corporation of America, LabCorp
Classification: Benign. Last evaluated: 2019-09-16. Review status: criteria provided, single submitter. Criteria: LabCorp Variant Classification Summary - May 2015. Collection method: clinical testing. Allele origin: germline.
Comment: Variant summary: PCSK9 c.1503+70_1503+71delGT is located at a position not widely known to affect splicing. 5/5 computational tools predict no significant impact on normal splicing. However, these predictions have yet to be confirmed by functional studies. The variant allele was found at a frequency of 0.013 in 149146 control chromosomes, predominantly at a frequency of 0.021 within the African or African-American subpopulation in the gnomAD database. The observed variant frequency within African or African-American control individuals in the gnomAD database is approximately 1050-folds over the estimated maximal expected allele frequency for a pathogenic variant in PCSK9 causing Early Onset Coronary Artery Disease phenotype (2e-05), strongly suggesting that the variant is a benign polymorphism found primarily in populations of African or African-American origin. To our knowledge, no occurrence of c.1503+70_1503+71delGT in individuals affected with Early Onset Coronary Artery Disease and no experimental evidence demonstrating its impact on protein function have been reported. No clinical diagnostic laboratories have submitted clinical-significance assessments for this variant to ClinVar after 2014. Based on the evidence outlined above, the variant was classified as benign.